The following is an entry in ClinVar:

NM_001267550.2(TTN):c.69508G>A (p.Glu23170Lys)

Genes: TTN (titin; minus strand), TTN-AS1 (TTN antisense RNA 1; plus strand). Cytogenetic location: 2q31.2.
Variant type: single nucleotide variant.
Coding change: c.69508G>A on transcript NM_001267550.2 (MANE Select); coding-DNA position 69508, G replaced by A.
Protein change: p.Glu23170Lys; replaces glutamic acid 23170 with lysine.
Molecular consequence: missense variant.
Genome position (GRCh38, 1-based): chr2:178,576,736, C>T on the plus strand (G>A on the coding strand, the complement: TTN is on the minus strand). VCF-style: chr2-178576736-C-T. GRCh37 (hg19) VCF-style: chr2-179441463-C-T.
Other names: c.64585G>A, p.Glu21529Lys (NM_001256850.1); c.42313G>A, p.Glu14105Lys (NM_003319.4); c.61804G>A, p.Glu20602Lys (NM_133378.4); c.42688G>A, p.Glu14230Lys (NM_133432.3); c.42889G>A, p.Glu14297Lys (NM_133437.4); short protein forms E14105K, E14230K, E14297K, E21529K, E23170K, E20602K.
Identifiers: ClinVar variation 669100 (VCV000669100.5), dbSNP rs1334543067, ClinGen allele CA349667806.

ClinVar aggregate classification (germline): Conflicting classifications of pathogenicity. Review status: criteria provided, conflicting classifications (1 of 4 stars). 3 submissions from 3 submitters: Uncertain significance (2); Likely benign (1). Last evaluated 2024-09-30.

Allele frequency attached by ClinVar (database versions not stated): TOPMed below 0.00001; gnomAD 0.00001; gnomAD exomes 0.00001.
gnomAD v4.1: 9 of 1,613,360 alleles (0.00056%); highest among the groups gnomAD compares: Middle Eastern, 0.016%; no homozygotes.

Submissions (3):

Women's Health and Genetics/Laboratory Corporation of America, LabCorp
Classification: Uncertain significance. Last evaluated: 2024-09-30. Review status: criteria provided, single submitter. Criteria: LabCorp Variant Classification Summary - May 2015. Collection method: clinical testing. Allele origin: germline.
Comment: Variant summary: TTN c.61804G>A (p.Glu20602Lys) results in a conservative amino acid change located in the A-band domain of the encoded protein sequence. Two of four in-silico tools predict a benign effect of the variant on protein function. The variant allele was found at a frequency of 1.2e-05 in 248488 control chromosomes (gnomAD). The available data on variant occurrences in the general population are insufficient to allow any conclusion about variant significance. c.61804G>A has been reported in the literature in at least one individual affected with Arrhythmogenic cardiomyopathy (Chen_2018). The report does not provide unequivocal conclusions about association of the variant with Limb-Girdle Muscular Dystrophy, Type 2J. To our knowledge, no experimental evidence demonstrating an impact on protein function has been reported. The following publication have been ascertained in the context of this evaluation (PMID: 29750433). ClinVar contains an entry for this variant (Variation ID: 669100). Based on the evidence outlined above, the variant was classified as uncertain significance.

Revvity Omics, Revvity
Classification: Uncertain significance. Last evaluated: 2020-07-28. Review status: criteria provided, single submitter. Criteria: ACMG Guidelines, 2015. Collection method: clinical testing. Allele origin: germline.

GeneDx
Classification: Likely benign. Last evaluated: 2018-06-01. Review status: criteria provided, single submitter. Criteria: GeneDx Variant Classification (06012015). Collection method: clinical testing. Allele origin: germline. Affected: yes.
Comment: This variant is considered likely benign or benign based on one or more of the following criteria: it is a conservative change, it occurs at a poorly conserved position in the protein, it is predicted to be benign by multiple in silico algorithms, and/or has population frequency not consistent with disease.

Literature cited by the submitters: PubMed 29750433 (cited by Women's Health and Genetics/Laboratory Corporation of America, LabCorp).